The following is an entry in ClinVar:

ClinVar aggregate classification (germline): Likely benign; other. Review status: criteria provided, multiple submitters, no conflicts (2 of 4 stars). 7 submissions from 5 submitters: Likely benign (2). 4 of the submissions do not count toward it. Last evaluated 2018-08-07.

Conditions:
Clopidogrel response. Also called: Plavix response. Identifiers: MedGen CN077970.
PROGUANIL, POOR METABOLISM OF. Identifiers: MedGen C1836026, OMIM 609535.
MEPHENYTOIN, POOR METABOLISM OF. Identifiers: MedGen C1836024, OMIM 609535.

Allele frequency attached by ClinVar (database versions not stated): 1000 Genomes Project 0.22145; ESP Exome Variant Server 0.15413; gnomAD exomes 0.15913 and 0.17640; TOPMed 0.16025; gnomAD 0.16148 and 0.16806; ExAC 0.18563; 1000 Genomes Project 30x 0.21549.
gnomAD v4.1: 234,686 of 1,464,646 alleles (16%); highest among the groups gnomAD compares: South Asian, 32%; 20,742 homozygotes.

Submissions (7):

Eurofins Ntd Llc (ga)
Classification: other. Last evaluated: 2018-08-07. Review status: criteria provided, single submitter. Criteria: EGL ClinVar v180209 classification definitions. Collection method: clinical testing. Allele origin: germline. Observed: 275 variant alleles, 258 heterozygotes, 17 homozygotes.

GeneDx
Classification: Likely benign. Last evaluated: 2018-03-09. Review status: criteria provided, single submitter. Criteria: GeneDx Variant Classification (06012015). Collection method: clinical testing. Allele origin: germline. Affected: yes.
Comment: This variant is considered likely benign or benign based on one or more of the following criteria: it is a conservative change, it occurs at a poorly conserved position in the protein, it is predicted to be benign by multiple in silico algorithms, and/or has population frequency not consistent with disease.

Breakthrough Genomics
Classification: Likely benign. Review status: criteria provided, single submitter. Criteria: ACMG Guidelines, 2015. Collection method: not provided. Allele origin: germline. Inheritance: Autosomal recessive inheritance. Affected: yes.

OMIM
Classification: drug response for CLOPIDOGREL, POOR METABOLISM OF. Last evaluated: 2018-05-14. Review status: no assertion criteria provided. Collection method: literature only. Allele origin: germline. Not counted in ClinVar's aggregate classification.

OMIM
Classification: drug response for MEPHENYTOIN, POOR METABOLISM OF. Last evaluated: 2009-06-01. Review status: no assertion criteria provided. Collection method: literature only. Allele origin: germline. Not counted in ClinVar's aggregate classification.

OMIM
Classification: drug response for PROGUANIL, POOR METABOLISM OF. Last evaluated: 2009-06-01. Review status: no assertion criteria provided. Collection method: literature only. Allele origin: germline. Not counted in ClinVar's aggregate classification.

Faculty of Pharmacy, Damascus University
Classification: drug response for Clopidogrel Response. Review status: no assertion criteria provided. Collection method: research. Allele origin: germline. Affected: yes. Not counted in ClinVar's aggregate classification.
Comment: rs4244285 is a SNP in the CYP2C19 gene and is linked to poor clopidogrel metabolic activation. rs4244285 is associated with reduced enzyme activity of CYP2C19 and lower concentration of clopidogrel active metabolite.

Literature cited by the submitters: PubMed 8195181 (cited by OMIM); PubMed 9093256 (cited by OMIM); PubMed 18004210 (cited by OMIM); PubMed 19444287 (cited by OMIM).

NM_000769.4(CYP2C19):c.681G>A (p.Pro227=)

Gene: CYP2C19 (cytochrome P450 family 2 subfamily C member 19; plus strand). Cytogenetic location: 10q23.33.
Variant type: single nucleotide variant.
Coding change: c.681G>A on transcript NM_000769.4 (MANE Select); coding-DNA position 681, G replaced by A.
Protein change: p.Pro227=; no amino-acid change (proline 227 retained).
Molecular consequence: synonymous variant.
Genome position (GRCh38, 1-based): chr10:94,781,859, G>A. VCF-style: chr10-94781859-G-A. GRCh37 (hg19) VCF-style: chr10-96541616-G-A.
Other names: CYP2C19*2; CYP2C19m1.
Identifiers: ClinVar variation 16897 (VCV000016897.12), dbSNP rs4244285, ClinGen allele CA126959.